The following is an entry in ClinVar:

ClinVar aggregate classification (germline): Uncertain significance (1 of 4 stars; one submission).

Conditions:
Anauxetic dysplasia. Identifiers: Orphanet 93347, MedGen C1846796, MONDO:0011773.

Submission:

Labcorp Genetics (formerly Invitae), Labcorp
Classification: Uncertain significance for Anauxetic dysplasia. Last evaluated: 2022-09-26. Review status: criteria provided, single submitter. Criteria: Invitae Variant Classification Sherloc (09022015). Collection method: clinical testing. Allele origin: germline.
Comment: This variant occurs in the RMRP gene, which encodes an RNA molecule that does not result in a protein product. This variant is present in population databases (rs188660894, gnomAD 0.02%). This variant has not been reported in the literature in individuals affected with RMRP-related conditions. Experimental studies and prediction algorithms are not available or were not evaluated, and the functional significance of this variant is currently unknown. In summary, the available evidence is currently insufficient to determine the role of this variant in disease. Therefore, it has been classified as a Variant of Uncertain Significance.

NC_000009.12:g.35658041G>A

Gene: RMRP (RNA component of mitochondrial RNA processing endoribonuclease; minus strand). Cytogenetic location: 9p13.3.
Variant type: single nucleotide variant.
Genome position: GRCh38 VCF-style: chr9-35658041-G-A. GRCh37 (hg19) VCF-style: chr9-35658038-G-A.
Identifiers: ClinVar variation 2144659 (VCV002144659.1), dbSNP rs188660894, ClinGen allele CA192745780.